The following is an entry in ClinVar:

ClinVar aggregate classification (germline): Uncertain significance (1 of 4 stars; one submission).

Allele frequency attached by ClinVar (database versions not stated): TOPMed below 0.00001; gnomAD 0.00001; gnomAD exomes 0.00001 and 0.00003.
gnomAD v4.1: 38 of 1,614,038 alleles (0.0024%); highest among the groups gnomAD compares: Non-Finnish European, 0.0032%; no homozygotes.

Submission:

Labcorp Genetics (formerly Invitae), Labcorp
Classification: Uncertain significance. Last evaluated: 2022-10-17. Review status: criteria provided, single submitter. Criteria: Invitae Variant Classification Sherloc (09022015). Collection method: clinical testing. Allele origin: germline.
Comment: This sequence change replaces proline, which is neutral and non-polar, with threonine, which is neutral and polar, at codon 2094 of the NBAS protein (p.Pro2094Thr). This variant is present in population databases (rs746350433, gnomAD 0.002%). This variant has not been reported in the literature in individuals affected with NBAS-related conditions. ClinVar contains an entry for this variant (Variation ID: 1496464). Advanced modeling of protein sequence and biophysical properties (such as structural, functional, and spatial information, amino acid conservation, physicochemical variation, residue mobility, and thermodynamic stability) performed at Invitae indicates that this missense variant is not expected to disrupt NBAS protein function. In summary, the available evidence is currently insufficient to determine the role of this variant in disease. Therefore, it has been classified as a Variant of Uncertain Significance.

NM_015909.4(NBAS):c.6280C>A (p.Pro2094Thr)

Gene: NBAS (NBAS subunit of NRZ tethering complex; minus strand). Cytogenetic location: 2p24.3.
Variant type: single nucleotide variant.
Coding change: c.6280C>A on transcript NM_015909.4 (MANE Select); coding-DNA position 6280, C replaced by A.
Protein change: p.Pro2094Thr; replaces proline 2094 with threonine.
Molecular consequence: missense variant.
Genome position (GRCh38, 1-based): chr2:15,218,925, G>T on the plus strand (C>A on the coding strand, the complement: NBAS is on the minus strand). VCF-style: chr2-15218925-G-T. GRCh37 (hg19) VCF-style: chr2-15359049-G-T.
Other names: short protein forms P2094T.
Identifiers: ClinVar variation 1496464 (VCV001496464.3), dbSNP rs746350433, ClinGen allele CA1535055.